The following is an entry in ClinVar:

NM_152564.5(VPS13B):c.1671C>G (p.Asp557Glu)

Gene: VPS13B (vacuolar protein sorting 13 homolog B; plus strand). Cytogenetic location: 8q22.2.
Variant type: single nucleotide variant.
Coding change: c.1671C>G on transcript NM_152564.5 (MANE Select); coding-DNA position 1671, C replaced by G.
Protein change: p.Asp557Glu; replaces aspartic acid 557 with glutamic acid.
Molecular consequence: missense variant.
Genome position (GRCh38, 1-based): chr8:99,142,993, C>G. VCF-style: chr8-99142993-C-G. GRCh37 (hg19) VCF-style: chr8-100155221-C-G.
Other names: c.1671C>G, p.Asp557Glu (NM_015243.3, NM_017890.5); short protein forms D557E.
Identifiers: ClinVar variation 3902219 (VCV003902219.1).

ClinVar aggregate classification (germline): Uncertain significance (1 of 4 stars; one submission).

gnomAD v4.1: 9 of 1,613,502 alleles (0.00056%); highest among the groups gnomAD compares: Non-Finnish European, 0.00076%; no homozygotes.

Submission:

Women's Health and Genetics/Laboratory Corporation of America, LabCorp
Classification: Uncertain significance. Last evaluated: 2025-05-14. Review status: criteria provided, single submitter. Criteria: LabCorp Variant Classification Summary - May 2015. Collection method: clinical testing. Allele origin: germline.
Comment: Variant summary: VPS13B c.1671C>G (p.Asp557Glu) results in a conservative amino acid change in the encoded protein sequence. Algorithms developed to predict the effect of missense changes on protein structure and function are either unavailable or do not agree on the potential impact of this missense change. The variant was absent in 250468 control chromosomes. The available data on variant occurrences in the general population are insufficient to allow any conclusion about variant significance. c.1671C>G has been observed in individual(s) affected with Cohen Syndrome (Shu_2023). These report(s) do not provide unequivocal conclusions about association of the variant with Cohen Syndrome. To our knowledge, no experimental evidence demonstrating an impact on protein function has been reported. The following publication have been ascertained in the context of this evaluation (PMID: 37690893). No submitters have cited clinical-significance assessments for this variant to ClinVar. Based on the evidence outlined above, the variant was classified as uncertain significance.

Literature cited by the submitters: PubMed 37690893.